The following is an entry in ClinVar:

NM_000535.7(PMS2):c.1556A>C (p.Tyr519Ser)

Gene: PMS2 (PMS1 homolog 2, mismatch repair system component; minus strand). Cytogenetic location: 7p22.1.
Variant type: single nucleotide variant.
Coding change: c.1556A>C on transcript NM_000535.7 (MANE Select); coding-DNA position 1556, A replaced by C.
Protein change: p.Tyr519Ser; replaces tyrosine 519 with serine.
Molecular consequence: missense variant. On other transcripts: non-coding transcript variant (1).
Genome position (GRCh38, 1-based): chr7:5,987,209, T>G on the plus strand (A>C on the coding strand, the complement: PMS2 is on the minus strand). VCF-style: chr7-5987209-T-G. GRCh37 (hg19) VCF-style: chr7-6026840-T-G.
Other names: c.1151A>C, p.Tyr384Ser (NM_001018040.1, NM_001322003.2, NM_001322004.2 and 17 more transcripts); c.1400A>C, p.Tyr467Ser (NM_001322006.2, NM_001406870.1); c.1238A>C, p.Tyr413Ser (NM_001322007.2, NM_001322008.2, NM_001406883.1 and 2 more transcripts); c.995A>C, p.Tyr332Ser (NM_001322010.2, NM_001406906.1, NM_001406907.1); c.623A>C, p.Tyr208Ser (NM_001322011.2, NM_001322012.2); c.983A>C, p.Tyr328Ser (NM_001322013.2, NM_001406909.1); c.1556A>C, p.Tyr519Ser (NM_001322014.2, NM_001406871.1, NM_001406872.1); c.1247A>C, p.Tyr416Ser (NM_001322015.2, NM_001406881.1, NM_001406882.1 and 5 more transcripts); and 12 more; short protein forms Y262S, Y348S, Y413S, Y416S, Y453S, Y463S, Y483S, Y527S.
Identifiers: ClinVar variation 2011242 (VCV002011242.4), dbSNP rs63750649, ClinGen allele CA366741595.

ClinVar aggregate classification (germline): Uncertain significance (1 of 4 stars; one submission).

Conditions:
Hereditary nonpolyposis colorectal neoplasms. Identifiers: MedGen C0009405, MeSH D003123.

Submission:

Labcorp Genetics (formerly Invitae), Labcorp
Classification: Uncertain significance for Hereditary nonpolyposis colorectal neoplasms. Last evaluated: 2022-06-26. Review status: criteria provided, single submitter. Criteria: Invitae Variant Classification Sherloc (09022015). Collection method: clinical testing. Allele origin: germline.
Comment: This sequence change replaces tyrosine, which is neutral and polar, with serine, which is neutral and polar, at codon 519 of the PMS2 protein (p.Tyr519Ser). In summary, the available evidence is currently insufficient to determine the role of this variant in disease. Therefore, it has been classified as a Variant of Uncertain Significance. Advanced modeling of protein sequence and biophysical properties (such as structural, functional, and spatial information, amino acid conservation, physicochemical variation, residue mobility, and thermodynamic stability) performed at Invitae indicates that this missense variant is not expected to disrupt PMS2 protein function. This variant has not been reported in the literature in individuals affected with PMS2-related conditions. This variant is not present in population databases (gnomAD no frequency).